The following is an entry in ClinVar:

NM_033026.6(PCLO):c.4555A>C (p.Ser1519Arg)

Gene: PCLO (piccolo presynaptic cytomatrix protein; minus strand). Cytogenetic location: 7q21.11.
Variant type: single nucleotide variant.
Coding change: c.4555A>C on transcript NM_033026.6 (MANE Select); coding-DNA position 4555, A replaced by C.
Protein change: p.Ser1519Arg; replaces serine 1519 with arginine.
Molecular consequence: missense variant.
Genome position (GRCh38, 1-based): chr7:82,956,398, T>G on the plus strand (A>C on the coding strand, the complement: PCLO is on the minus strand). VCF-style: chr7-82956398-T-G. GRCh37 (hg19) VCF-style: chr7-82585714-T-G.
Other names: c.4555A>C, p.Ser1519Arg (NM_014510.3); short protein forms S1519R.
Identifiers: ClinVar variation 1469148 (VCV001469148.8), dbSNP rs780065948, ClinGen allele CA367926502.
Genomic context (GRCh38, chr7:82,956,398, plus strand): 5'-CACTGCTTGATGAGCCAACACTAGTTCTTCGTTTTCTTTGTGGAACAGGTGAGTTTTCAC[T>G]TTCACTACTCTCTTCAACTGAATCATAAGGCTCTCTTCTAGTAGTTATGTCATCAACAAA-3'
Protein context (NP_149015.2, residues 1509-1529): PYDSVEESSE[Ser1519Arg]ENSPVPQRKR

ClinVar aggregate classification (germline): Uncertain significance (1 of 4 stars; one submission).

Submission:

Labcorp Genetics (formerly Invitae), Labcorp
Classification: Uncertain significance. Last evaluated: 2024-11-05. Review status: criteria provided, single submitter. Criteria: Invitae Variant Classification Sherloc (09022015). Collection method: clinical testing. Allele origin: germline.
Comment: This sequence change replaces serine, which is neutral and polar, with arginine, which is basic and polar, at codon 1519 of the PCLO protein (p.Ser1519Arg). This variant is not present in population databases (gnomAD no frequency). This variant has not been reported in the literature in individuals affected with PCLO-related conditions. ClinVar contains an entry for this variant (Variation ID: 1469148). Experimental studies and prediction algorithms are not available or were not evaluated, and the functional significance of this variant is currently unknown. In summary, the available evidence is currently insufficient to determine the role of this variant in disease. Therefore, it has been classified as a Variant of Uncertain Significance.